The following is an entry in ClinVar:

NM_001032386.2(SUOX):c.1195G>T (p.Asp399Tyr)

Gene: SUOX (sulfite oxidase; plus strand). Cytogenetic location: 12q13.2.
Variant type: single nucleotide variant.
Coding change: c.1195G>T on transcript NM_001032386.2 (MANE Select); coding-DNA position 1195, G replaced by T.
Protein change: p.Asp399Tyr; replaces aspartic acid 399 with tyrosine.
Molecular consequence: missense variant.
Genome position (GRCh38, 1-based): chr12:56,004,584, G>T. VCF-style: chr12-56004584-G-T. GRCh37 (hg19) VCF-style: chr12-56398368-G-T.
Other names: c.1195G>T, p.Asp399Tyr (NM_000456.3, NM_001032387.2); short protein forms D399Y.
Identifiers: ClinVar variation 4293633 (VCV004293633.1).

ClinVar aggregate classification (germline): Uncertain significance (1 of 4 stars; one submission).

Conditions:
Sulfite oxidase deficiency. Also called: Isolated sulfite oxidase deficiency. Identifiers: Orphanet 833, Orphanet 99731, MedGen C0268624, MONDO:0010089, OMIM 272300, HP:0003643.

Submission:

3billion
Classification: Uncertain significance for Sulfite oxidase deficiency. Last evaluated: 2024-09-05. Review status: criteria provided, single submitter. Criteria: ACMG Guidelines, 2015. Collection method: clinical testing. Allele origin: germline. Affected: yes.
Comment: The variant is not observed in the gnomAD v4.0.0 dataset. Predicted Consequence/Location: Missense variant. The majority of the known disease-causing variants of this gene are variants expected to result in premature termination of the protein. In silico tool predictions suggest damaging effect of the variant on gene or gene product [REVEL: 0.92 (>=0.6, sensitivity 0.68 and specificity 0.92)]. Therefore, this variant is classified as VUS according to the recommendation of ACMG/AMP guideline.